The following is an entry in ClinVar:

ClinVar aggregate classification (germline): Uncertain significance. Review status: criteria provided, multiple submitters, no conflicts (2 of 4 stars). 2 submissions from 2 submitters: Uncertain significance (2). Last evaluated 2025-11-19.

Submissions (2):

Labcorp Genetics (formerly Invitae), Labcorp
Classification: Uncertain significance. Last evaluated: 2025-11-19. Review status: criteria provided, single submitter. Criteria: Invitae Variant Classification Sherloc (09022015). Collection method: clinical testing. Allele origin: germline.
Comment: This sequence change replaces proline, which is neutral and non-polar, with leucine, which is neutral and non-polar, at codon 1256 of the COL4A3 protein (p.Pro1256Leu). This variant is not present in population databases (gnomAD no frequency). This variant has not been reported in the literature in individuals affected with COL4A3-related conditions. Invitae Evidence Modeling of protein sequence and biophysical properties (such as structural, functional, and spatial information, amino acid conservation, physicochemical variation, residue mobility, and thermodynamic stability) has been performed for this missense variant. However, the output from this modeling did not meet the statistical confidence thresholds required to predict the impact of this variant on COL4A3 protein function. In summary, the available evidence is currently insufficient to determine the role of this variant in disease. Therefore, it has been classified as a Variant of Uncertain Significance.

Blueprint Genetics
Classification: Uncertain significance. Last evaluated: 2017-10-10. Review status: criteria provided, single submitter. Criteria: ACMG Guidelines, 2015. Collection method: clinical testing. Allele origin: germline.

NM_000091.5(COL4A3):c.3767C>T (p.Pro1256Leu)

Genes: COL4A3 (collagen type IV alpha 3 chain; plus strand), MFF-DT (MFF divergent transcript; minus strand). Cytogenetic location: 2q36.3.
Variant type: single nucleotide variant.
Coding change: c.3767C>T on transcript NM_000091.5 (MANE Select); coding-DNA position 3767, C replaced by T.
Protein change: p.Pro1256Leu; replaces proline 1256 with leucine.
Molecular consequence: missense variant.
Genome position (GRCh38, 1-based): chr2:227,298,697, C>T. VCF-style: chr2-227298697-C-T. GRCh37 (hg19) VCF-style: chr2-228163413-C-T.
Other names: short protein forms P1256L.
Identifiers: ClinVar variation 4809121 (VCV004809121.2).